The following is an entry in ClinVar:

ClinVar aggregate classification (germline): Likely pathogenic (1 of 4 stars; one submission).

Submission:

GeneDx
Classification: Likely pathogenic. Last evaluated: 2023-06-05. Review status: criteria provided, single submitter. Criteria: GeneDx Variant Classification Process June 2021. Collection method: clinical testing. Allele origin: germline. Affected: yes.
Comment: Identified to segregate in a family with variable degrees of short stature in the published literature (Inoue et al., 2011); Published functional studies demonstrate a damaging effect on protein expression (Inoue et al., 2011); Not observed at significant frequency in large population cohorts (gnomAD); In silico analysis supports that this missense variant has a deleterious effect on protein structure/function; This variant is associated with the following publications: (PMID: 21084395)

NM_198407.2(GHSR):c.517T>C (p.Cys173Arg)

Gene: GHSR (growth hormone secretagogue receptor; minus strand). Cytogenetic location: 3q26.31.
Variant type: single nucleotide variant.
Coding change: c.517T>C on transcript NM_198407.2 (MANE Select); coding-DNA position 517, T replaced by C.
Protein change: p.Cys173Arg; replaces cysteine 173 with arginine.
Molecular consequence: missense variant.
Genome position (GRCh38, 1-based): chr3:172,447,897, A>G on the plus strand (T>C on the coding strand, the complement: GHSR is on the minus strand). VCF-style: chr3-172447897-A-G. GRCh37 (hg19) VCF-style: chr3-172165687-A-G.
Other names: c.517T>C, p.Cys173Arg (NM_004122.2); short protein forms C173R.
Identifiers: ClinVar variation 3252244 (VCV003252244.1), dbSNP rs2473557363.